The following is an entry in ClinVar:

ClinVar aggregate classification (germline): Uncertain significance (1 of 4 stars; one submission).

Conditions:
Progressive myoclonic epilepsy. Also called: Familial progressive myoclonic epilepsy; Myoclonus epilepsy; Progressive myoclonus epilepsy; Myoclonic Epilepsies, Progressive. Identifiers: Orphanet 308, Orphanet 98261, MedGen C0751778, MONDO:0020074.

Allele frequency attached by ClinVar (database versions not stated): TOPMed below 0.00001; gnomAD 0.00001; ExAC 0.00002.
gnomAD v4.1: 1 of 1,614,106 alleles (0.000062%); highest among the groups gnomAD compares: Admixed American, 0.0017%; no homozygotes.

Submission:

Labcorp Genetics (formerly Invitae), Labcorp
Classification: Uncertain significance for Progressive myoclonic epilepsy. Last evaluated: 2024-11-11. Review status: criteria provided, single submitter. Criteria: Invitae Variant Classification Sherloc (09022015). Collection method: clinical testing. Allele origin: germline.
Comment: This sequence change replaces glutamine, which is neutral and polar, with histidine, which is basic and polar, at codon 319 of the EPM2A protein (p.Gln319His). This variant is present in population databases (rs777017987, gnomAD 0.003%). This variant has not been reported in the literature in individuals affected with EPM2A-related conditions. ClinVar contains an entry for this variant (Variation ID: 2414145). Invitae Evidence Modeling of protein sequence and biophysical properties (such as structural, functional, and spatial information, amino acid conservation, physicochemical variation, residue mobility, and thermodynamic stability) has been performed for this missense variant. However, the output from this modeling did not meet the statistical confidence thresholds required to predict the impact of this variant on EPM2A protein function. In summary, the available evidence is currently insufficient to determine the role of this variant in disease. Therefore, it has been classified as a Variant of Uncertain Significance.

NM_005670.4(EPM2A):c.957G>C (p.Gln319His)

Gene: EPM2A (EPM2A glucan phosphatase, laforin; minus strand). Cytogenetic location: 6q24.3.
Variant type: single nucleotide variant.
Coding change: c.957G>C on transcript NM_005670.4 (MANE Select); coding-DNA position 957, G replaced by C.
Protein change: p.Gln319His; replaces glutamine 319 with histidine.
Molecular consequence: missense variant. On other transcripts: 3 prime UTR variant (1), non-coding transcript variant (1), intron variant (1).
Genome position (GRCh38, 1-based): chr6:145,627,455, C>G on the plus strand (G>C on the coding strand, the complement: EPM2A is on the minus strand). VCF-style: chr6-145627455-C-G. GRCh37 (hg19) VCF-style: chr6-145948591-C-G.
Other names: c.*40G>C (NM_001360057.2); c.543G>C, p.Gln181His (NM_001360064.2, NM_001360071.2, NM_001368131.1); c.495G>C, p.Gln165His (NM_001368129.2, NM_001368132.1); c.924+33G>C (NM_001018041.2); short protein forms Q165H, Q181H, Q319H.
Identifiers: ClinVar variation 2414145 (VCV002414145.5), dbSNP rs777017987, ClinGen allele CA4035036.
Genomic context (GRCh38, chr6:145,627,455, plus strand): 5'-GGGCAGAAGCAGGCTGACCAGCTACAGGCTACACACAGAAGAACGAACCTTCCCAAATTT[C>G]TGGAAAAAATCTTCTTGTGCCCGGGCCAAGGCCTCTTCGTCAATGTAGACAGCCGGCCTC-3'
Protein context (NP_005661.1, residues 309-329): ALARAQEDFF[Gln319His]KFGKVRSSVC